The following is an entry in ClinVar:

ClinVar aggregate classification (germline): Uncertain significance (1 of 4 stars; one submission).

Conditions:
Ectodermal dysplasia and immunodeficiency 2. Identifiers: Orphanet 238468, Orphanet 98813, MedGen C2677481, MONDO:0012806, OMIM 612132.

Allele frequency attached by ClinVar (database versions not stated): gnomAD exomes below 0.00001; TOPMed below 0.00001; ExAC 0.00001.
gnomAD v4.1: 3 of 1,596,674 alleles (0.00019%); highest among the groups gnomAD compares: Admixed American, 0.0017%; no homozygotes.

Submission:

Labcorp Genetics (formerly Invitae), Labcorp
Classification: Uncertain significance for Ectodermal dysplasia and immunodeficiency 2. Last evaluated: 2025-12-15. Review status: criteria provided, single submitter. Criteria: Invitae Variant Classification Sherloc (09022015). Collection method: clinical testing. Allele origin: germline.
Comment: This sequence change replaces proline, which is neutral and non-polar, with alanine, which is neutral and non-polar, at codon 65 of the NFKBIA protein (p.Pro65Ala). This variant is present in population databases (rs778206898, gnomAD 0.003%). This variant has not been reported in the literature in individuals affected with NFKBIA-related conditions. ClinVar contains an entry for this variant (Variation ID: 1391194). An algorithm developed to predict the effect of missense changes on protein structure and function (PolyPhen-2) suggests that this variant is likely to be tolerated. In summary, the available evidence is currently insufficient to determine the role of this variant in disease. Therefore, it has been classified as a Variant of Uncertain Significance.

NM_020529.3(NFKBIA):c.193C>G (p.Pro65Ala)

Gene: NFKBIA (NFKB inhibitor alpha; minus strand). Cytogenetic location: 14q13.2.
Variant type: single nucleotide variant.
Coding change: c.193C>G on transcript NM_020529.3 (MANE Select); coding-DNA position 193, C replaced by G.
Protein change: p.Pro65Ala; replaces proline 65 with alanine.
Molecular consequence: missense variant.
Genome position (GRCh38, 1-based): chr14:35,404,452, G>C on the plus strand (C>G on the coding strand, the complement: NFKBIA is on the minus strand). VCF-style: chr14-35404452-G-C. GRCh37 (hg19) VCF-style: chr14-35873658-G-C.
Other names: short protein forms P65A.
Identifiers: ClinVar variation 1391194 (VCV001391194.8), dbSNP rs778206898, ClinGen allele CA7155578.